The following is an entry in ClinVar:

ClinVar aggregate classification (germline): Uncertain significance (1 of 4 stars; one submission).

gnomAD v4.1: 5 of 1,612,388 alleles (0.00031%); highest among the groups gnomAD compares: Admixed American, 0.0083%; no homozygotes.

Submission:

Labcorp Genetics (formerly Invitae), Labcorp
Classification: Uncertain significance. Last evaluated: 2023-12-09. Review status: criteria provided, single submitter. Criteria: Invitae Variant Classification Sherloc (09022015). Collection method: clinical testing. Allele origin: germline.
Comment: This sequence change replaces threonine, which is neutral and polar, with alanine, which is neutral and non-polar, at codon 149 of the CD81 protein (p.Thr149Ala). This variant is present in population databases (rs781372320, gnomAD 0.01%). This variant has not been reported in the literature in individuals affected with CD81-related conditions. An algorithm developed to predict the effect of missense changes on protein structure and function (PolyPhen-2) suggests that this variant is likely to be tolerated. In summary, the available evidence is currently insufficient to determine the role of this variant in disease. Therefore, it has been classified as a Variant of Uncertain Significance.

NM_004356.4(CD81):c.445A>G (p.Thr149Ala)

Gene: CD81 (CD81 molecule; plus strand). Cytogenetic location: 11p15.5.
Variant type: single nucleotide variant.
Coding change: c.445A>G on transcript NM_004356.4 (MANE Select); coding-DNA position 445, A replaced by G.
Protein change: p.Thr149Ala; replaces threonine 149 with alanine.
Molecular consequence: missense variant.
Genome position (GRCh38, 1-based): chr11:2,395,506, A>G. VCF-style: chr11-2395506-A-G. GRCh37 (hg19) VCF-style: chr11-2416736-A-G.
Other names: c.232A>G, p.Thr78Ala (NM_001297649.2, NM_001425129.1, NM_001425130.1 and 4 more transcripts); c.568A>G, p.Thr190Ala (NM_001425135.1); c.445A>G, p.Thr149Ala (NM_001425137.1); short protein forms T78A, T149A, T190A.
Identifiers: ClinVar variation 3002426 (VCV003002426.3), dbSNP rs781372320, ClinGen allele CA5820005.
Genomic context (GRCh38, chr11:2,395,506, plus strand): 5'-CAGGCCCTACAGCAGGCCGTGGTGGATGATGACGCCAACAACGCCAAGGCTGTGGTGAAG[A>G]CCTTCCACGAGACGGTGCGGCCCCGGGGGGCGAGGGCGGGGAGCAGGGCCCCGGGAACCC-3'
Protein context (NP_004347.1, residues 139-159): DANNAKAVVK[Thr149Ala]FHETLDCCGS